The following is an entry in ClinVar:

NM_018836.4(AJAP1):c.310C>G (p.Pro104Ala)

Gene: AJAP1 (adherens junctions associated protein 1; plus strand). Cytogenetic location: 1p36.32.
Variant type: single nucleotide variant.
Coding change: c.310C>G on transcript NM_018836.4 (MANE Select); coding-DNA position 310, C replaced by G.
Protein change: p.Pro104Ala; replaces proline 104 with alanine.
Molecular consequence: missense variant.
Genome position (GRCh38, 1-based): chr1:4,712,180, C>G. VCF-style: chr1-4712180-C-G. GRCh37 (hg19) VCF-style: chr1-4772240-C-G.
Other names: c.310C>G, p.Pro104Ala (NM_001042478.2); short protein forms P104A.
Identifiers: ClinVar variation 3682984 (VCV003682984.2).

ClinVar aggregate classification (germline): Uncertain significance (1 of 4 stars; one submission).

Submission:

Labcorp Genetics (formerly Invitae), Labcorp
Classification: Uncertain significance. Last evaluated: 2024-11-24. Review status: criteria provided, single submitter. Criteria: Invitae Variant Classification Sherloc (09022015). Collection method: clinical testing. Allele origin: germline.
Comment: This sequence change replaces proline, which is neutral and non-polar, with alanine, which is neutral and non-polar, at codon 104 of the AJAP1 protein (p.Pro104Ala). This variant is not present in population databases (gnomAD no frequency). This variant has not been reported in the literature in individuals affected with AJAP1-related conditions. An algorithm developed to predict the effect of missense changes on protein structure and function (PolyPhen-2) suggests that this variant is likely to be disruptive. In summary, the available evidence is currently insufficient to determine the role of this variant in disease. Therefore, it has been classified as a Variant of Uncertain Significance.